The following is an entry in ClinVar:

ClinVar aggregate classification (germline): Uncertain significance (1 of 4 stars; one submission).

Conditions:
Benign neonatal seizures. Also called: Benign neonatal familial convulsions; Benign familial neonatal seizures; Benign familial neonatal epilepsy; Convulsions benign familial neonatal dominant form; Autosomal dominant form of benign neonatal seizures. Identifiers: Orphanet 1949, MedGen C0220669, MONDO:0016027.

Submission:

Labcorp Genetics (formerly Invitae), Labcorp
Classification: Uncertain significance for Benign neonatal seizures. Last evaluated: 2023-07-07. Review status: criteria provided, single submitter. Criteria: Invitae Variant Classification Sherloc (09022015). Collection method: clinical testing. Allele origin: germline.
Comment: This variant is not present in population databases (gnomAD no frequency). This sequence change replaces proline, which is neutral and non-polar, with leucine, which is neutral and non-polar, at codon 540 of the KCNQ3 protein (p.Pro540Leu). This variant has not been reported in the literature in individuals affected with KCNQ3-related conditions. ClinVar contains an entry for this variant (Variation ID: 2118003). Advanced modeling of protein sequence and biophysical properties (such as structural, functional, and spatial information, amino acid conservation, physicochemical variation, residue mobility, and thermodynamic stability) performed at Invitae indicates that this missense variant is expected to disrupt KCNQ3 protein function. In summary, the available evidence is currently insufficient to determine the role of this variant in disease. Therefore, it has been classified as a Variant of Uncertain Significance.

NM_004519.4(KCNQ3):c.1619C>T (p.Pro540Leu)

Gene: KCNQ3 (potassium voltage-gated channel subfamily Q member 3; minus strand). Cytogenetic location: 8q24.22.
Variant type: single nucleotide variant.
Coding change: c.1619C>T on transcript NM_004519.4 (MANE Select); coding-DNA position 1619, C replaced by T.
Protein change: p.Pro540Leu; replaces proline 540 with leucine.
Molecular consequence: missense variant.
Genome position (GRCh38, 1-based): chr8:132,137,966, G>A on the plus strand (C>T on the coding strand, the complement: KCNQ3 is on the minus strand). VCF-style: chr8-132137966-G-A. GRCh37 (hg19) VCF-style: chr8-133150213-G-A.
Other names: c.1259C>T, p.Pro420Leu (NM_001204824.2); short protein forms P540L, P420L.
Identifiers: ClinVar variation 2118003 (VCV002118003.4), dbSNP rs2536875368, ClinGen allele CA372219163.